The following is an entry in ClinVar:

NM_001252024.2(TRPM1):c.305A>G (p.Lys102Arg)

Gene: TRPM1 (transient receptor potential cation channel subfamily M member 1; minus strand). Cytogenetic location: 15q13.3.
Variant type: single nucleotide variant.
Coding change: c.305A>G on transcript NM_001252024.2 (MANE Select); coding-DNA position 305, A replaced by G.
Protein change: p.Lys102Arg; replaces lysine 102 with arginine.
Molecular consequence: missense variant.
Genome position (GRCh38, 1-based): chr15:31,068,067, T>C on the plus strand (A>G on the coding strand, the complement: TRPM1 is on the minus strand). VCF-style: chr15-31068067-T-C. GRCh37 (hg19) VCF-style: chr15-31360270-T-C.
Other names: c.356A>G, p.Lys119Arg (NM_001252020.2); c.239A>G, p.Lys80Arg (NM_002420.6); short protein forms K119R, K102R, K80R.
Identifiers: ClinVar variation 1035015 (VCV001035015.8), dbSNP rs1265949221, ClinGen allele CA391535339.
Genomic context (GRCh38, chr15:31,068,067, plus strand): 5'-AAGAGCTTGGGGAGTTCCAGCTGCCAATCTTTCACCATGAGATGGAGCAGTGAGTCTGGC[T>C]TGGTGTCATAGGATACACGGATATACTGTGAAAGAGTGTGTGGCACTCAGCCTCTGTTCT-3'
Protein context (NP_001238953.1, residues 92-112): AMYIRVSYDT[Lys102Arg]PDSLLHLMVK

ClinVar aggregate classification (germline): Uncertain significance. Review status: criteria provided, multiple submitters, no conflicts (2 of 4 stars). 2 submissions from 2 submitters: Uncertain significance (2). Last evaluated 2024-01-15.

Allele frequency attached by ClinVar (database versions not stated): gnomAD exomes below 0.00001; TOPMed below 0.00001.

Submissions (2):

Labcorp Genetics (formerly Invitae), Labcorp
Classification: Uncertain significance. Last evaluated: 2024-01-15. Review status: criteria provided, single submitter. Criteria: Invitae Variant Classification Sherloc (09022015). Collection method: clinical testing. Allele origin: germline.
Comment: This sequence change replaces lysine, which is basic and polar, with arginine, which is basic and polar, at codon 80 of the TRPM1 protein (p.Lys80Arg). This variant is present in population databases (no rsID available, gnomAD 0.01%). This variant has not been reported in the literature in individuals affected with TRPM1-related conditions. ClinVar contains an entry for this variant (Variation ID: 1035015). Advanced modeling of protein sequence and biophysical properties (such as structural, functional, and spatial information, amino acid conservation, physicochemical variation, residue mobility, and thermodynamic stability) performed at Invitae indicates that this missense variant is not expected to disrupt TRPM1 protein function with a negative predictive value of 95%. Algorithms developed to predict the effect of sequence changes on RNA splicing suggest that this variant may disrupt the consensus splice site. In summary, the available evidence is currently insufficient to determine the role of this variant in disease. Therefore, it has been classified as a Variant of Uncertain Significance.

Blueprint Genetics
Classification: Uncertain significance. Last evaluated: 2017-07-04. Review status: criteria provided, single submitter. Criteria: ACMG Guidelines, 2015. Collection method: clinical testing. Allele origin: germline.